The following is an entry in ClinVar:

ClinVar aggregate classification (germline): Benign. Review status: criteria provided, multiple submitters, no conflicts (2 of 4 stars). 2 submissions from 2 submitters: Benign (2). Last evaluated 2018-01-13.

Conditions:
Autosomal recessive omodysplasia (OMOD1). Also called: MICROMELIC DYSPLASIA, CONGENITAL, WITH DISLOCATION OF RADIUS. Identifiers: Orphanet 2733, Orphanet 93329, MedGen C1850318, MONDO:0009779, OMIM 258315.

Allele frequency attached by ClinVar (database versions not stated): 1000 Genomes Project 0.01058; 1000 Genomes Project 30x 0.01140; gnomAD 0.01470 and 0.01528; TOPMed 0.01678.

Submissions (2):

Illumina Laboratory Services, Illumina
Classification: Benign for Autosomal recessive omodysplasia. Last evaluated: 2018-01-13. Review status: criteria provided, single submitter. Criteria: ICSL Variant Classification Criteria 13 December 2019. Collection method: clinical testing. Allele origin: germline.
Comment: This variant was observed in the ICSL laboratory as part of a predisposition screen in an ostensibly healthy population. It had not been previously curated by ICSL or reported in the Human Gene Mutation Database (HGMD: prior to June 1st, 2018), and was therefore a candidate for classification through an automated scoring system. Utilizing variant allele frequency, disease prevalence and penetrance estimates, and inheritance mode, an automated score was calculated to assess if this variant is too frequent to cause the disease. Based on the score and internal cut-off values, a variant classified as benign is not then subjected to further curation. The score for this variant resulted in a classification of benign for this disease.

Breakthrough Genomics
Classification: Benign. Review status: criteria provided, single submitter. Criteria: ACMG Guidelines, 2015. Collection method: not provided. Allele origin: germline. Inheritance: Autosomal recessive inheritance. Affected: yes.

NM_005708.5(GPC6):c.*2605C>A

Gene: GPC6 (glypican 6; plus strand). Cytogenetic location: 13q32.1.
Variant type: single nucleotide variant.
Coding change: c.*2605C>A on transcript NM_005708.5 (MANE Select); 2605 bases downstream of the stop codon, C replaced by A.
Molecular consequence: 3 prime UTR variant.
Genome position (GRCh38, 1-based): chr13:94,405,822, C>A. VCF-style: chr13-94405822-C-A. GRCh37 (hg19) VCF-style: chr13-95058076-C-A.
Identifiers: ClinVar variation 312593 (VCV000312593.6), dbSNP rs113980048, ClinGen allele CA10639805.